The following is an entry in ClinVar:

NM_177924.5(ASAH1):c.303+219A>G

Gene: ASAH1 (N-acylsphingosine amidohydrolase 1; minus strand). Cytogenetic location: 8p22.
Variant type: single nucleotide variant.
Coding change: c.303+219A>G on transcript NM_177924.5 (MANE Select); 219 bases into the intron after coding-DNA position 303, A replaced by G.
Molecular consequence: intron variant.
Genome position (GRCh38, 1-based): chr8:18,069,573, T>C on the plus strand (A>G on the coding strand, the complement: ASAH1 is on the minus strand). VCF-style: chr8-18069573-T-C. GRCh37 (hg19) VCF-style: chr8-17927082-T-C.
Other names: c.351+219A>G (NM_004315.6); c.285+1727A>G (NM_001127505.3); c.108+219A>G (NM_001363743.2).
Identifiers: ClinVar variation 678045 (VCV000678045.1), dbSNP rs4921566, ClinGen allele CA12716447.

ClinVar aggregate classification (germline): Benign (1 of 4 stars; one submission).

Allele frequency attached by ClinVar (database versions not stated): gnomAD 0.40748; 1000 Genomes Project 0.42053; 1000 Genomes Project 30x 0.42021; TOPMed 0.43373.

Submission:

GeneDx
Classification: Benign. Last evaluated: 2018-06-19. Review status: criteria provided, single submitter. Criteria: GeneDx Variant Classification (06012015). Collection method: clinical testing. Allele origin: germline. Affected: yes.
Comment: This variant is considered likely benign or benign based on one or more of the following criteria: it is a conservative change, it occurs at a poorly conserved position in the protein, it is predicted to be benign by multiple in silico algorithms, and/or has population frequency not consistent with disease.